The following is an entry in ClinVar:

ClinVar aggregate classification (germline): Likely benign. Review status: criteria provided, multiple submitters, no conflicts (2 of 4 stars). 5 submissions from 5 submitters: Likely benign (4). 1 of the submissions does not count toward it. Last evaluated 2025-12-16.

Conditions:
Hereditary cancer-predisposing syndrome. Also called: Hereditary neoplastic syndrome; Neoplastic Syndromes, Hereditary; Tumor predisposition; Hereditary Cancer Syndrome. Identifiers: Orphanet 140162, MedGen C0027672, MeSH D009386, MONDO:0015356.
POLE-related disorder. Also called: POLE-related disorders; POLE-related condition.

Allele frequency attached by ClinVar (database versions not stated): gnomAD exomes below 0.00001 and 0.00002; ExAC 0.00002; gnomAD 0.00005; TOPMed 0.00005; 1000 Genomes Project 30x 0.00031.

Submissions (5):

Labcorp Genetics (formerly Invitae), Labcorp
Classification: Likely benign. Last evaluated: 2025-12-16. Review status: criteria provided, single submitter. Criteria: Invitae Variant Classification Sherloc (09022015). Collection method: clinical testing. Allele origin: germline.

GeneDx
Classification: Likely benign. Last evaluated: 2023-01-30. Review status: criteria provided, single submitter. Criteria: GeneDx Variant Classification Process June 2021. Collection method: clinical testing. Allele origin: germline. Affected: yes.
Comment: See Variant Classification Assertion Criteria.

Sema4
Classification: Likely benign for Hereditary cancer-predisposing syndrome. Last evaluated: 2021-03-12. Review status: criteria provided, single submitter. Criteria: Sema4 Curation Guidelines. Collection method: curation. Allele origin: germline.

Quest Diagnostics Nichols Institute San Juan Capistrano
Classification: Likely benign. Last evaluated: 2018-04-25. Review status: criteria provided, single submitter. Criteria: Quest Diagnostics criteria. Collection method: clinical testing. Allele origin: unknown.

PreventionGenetics, part of Exact Sciences
Classification: Likely benign for POLE-related condition. Last evaluated: 2020-02-13. Review status: no assertion criteria provided. Collection method: clinical testing. Allele origin: germline. Not counted in ClinVar's aggregate classification.
Comment: This variant is classified as likely benign based on ACMG/AMP sequence variant interpretation guidelines (Richards et al. 2015 PMID: 25741868, with internal and published modifications).

NM_006231.4(POLE):c.1924-6del

Gene: POLE (DNA polymerase epsilon, catalytic subunit; minus strand). Cytogenetic location: 12q24.33.
Variant type: Deletion.
Coding change: c.1924-6del on transcript NM_006231.4 (MANE Select); 6 bases into the intron before coding-DNA position 1924, one base deleted (T; older notation c.1924-6delT).
Molecular consequence: intron variant.
Genome position (GRCh38, 1-based): chr12:132,668,743, A deleted on the plus strand (T on the coding strand, the reverse complement: POLE is on the minus strand). VCF-style (leftmost placement, unchanged base first): chr12-132668742-GA-G. GRCh37 (hg19) VCF-style: chr12-133245328-GA-G.
Other names: c.1924-6delT (NM_006231.3).
Identifiers: ClinVar variation 421622 (VCV000421622.59), dbSNP rs758112633, ClinGen allele CA6893756.